The following is an entry in ClinVar:

ClinVar aggregate classification (germline): Likely benign. Review status: criteria provided, single submitter (1 of 4 stars). 2 submissions from 2 submitters: Likely benign (1). 1 of the submissions does not count toward it. Last evaluated 2024-03-08.

Conditions:
Inborn genetic diseases. Identifiers: MedGen C0950123, MeSH D030342.
TG-related disorder. Also called: TG-related condition; TG-related disorders.

Allele frequency attached by ClinVar (database versions not stated): TOPMed 0.00001; ExAC 0.00002; gnomAD 0.00002; gnomAD exomes 0.00002.
gnomAD v4.1: 31 of 1,614,008 alleles (0.0019%); highest among the groups gnomAD compares: Middle Eastern, 0.016%; no homozygotes.

Submissions (2):

Ambry Genetics
Classification: Likely benign for Inborn genetic diseases. Last evaluated: 2024-03-08. Review status: criteria provided, single submitter. Criteria: Ambry Variant Classification Scheme 2023. Collection method: clinical testing. Allele origin: germline.

PreventionGenetics, part of Exact Sciences
Classification: Uncertain significance for TG-related condition. Last evaluated: 2024-01-03. Review status: no assertion criteria provided. Collection method: clinical testing. Allele origin: germline. Not counted in ClinVar's aggregate classification.
Comment: The TG c.6623G>A variant is predicted to result in the amino acid substitution p.Arg2208Gln. To our knowledge, this variant has not been reported in the literature. This variant is reported in 0.023% of alleles in individuals of Latino descent in gnomAD. At this time, the clinical significance of this variant is uncertain due to the absence of conclusive functional and genetic evidence.

NM_003235.5(TG):c.6623G>A (p.Arg2208Gln)

Gene: TG (thyroglobulin; plus strand). Cytogenetic location: 8q24.22.
Variant type: single nucleotide variant.
Coding change: c.6623G>A on transcript NM_003235.5 (MANE Select); coding-DNA position 6623, G replaced by A.
Protein change: p.Arg2208Gln; replaces arginine 2208 with glutamine.
Molecular consequence: missense variant.
Genome position (GRCh38, 1-based): chr8:133,017,838, G>A. VCF-style: chr8-133017838-G-A. GRCh37 (hg19) VCF-style: chr8-134030083-G-A.
Other names: short protein forms R2208Q.
Identifiers: ClinVar variation 3029768 (VCV003029768.3), dbSNP rs780339765, ClinGen allele CA4884992.